The following is an entry in ClinVar:

ClinVar aggregate classification (germline): Uncertain significance (1 of 4 stars; one submission).

Allele frequency attached by ClinVar (database versions not stated): ExAC 0.00003.
gnomAD v4.1: 8 of 1,587,228 alleles (0.0005%); highest among the groups gnomAD compares: Middle Eastern, 0.033%; no homozygotes.

Submission:

Women's Health and Genetics/Laboratory Corporation of America, LabCorp
Classification: Uncertain significance. Last evaluated: 2023-04-06. Review status: criteria provided, single submitter. Criteria: LabCorp Variant Classification Summary - May 2015. Collection method: clinical testing. Allele origin: germline.
Comment: Variant summary: CYP1B1 c.343G>C (p.Ala115Pro) results in a non-conservative amino acid change in the encoded protein sequence. Five of five in-silico tools predict a damaging effect of the variant on protein function. The variant allele was found at a frequency of 1e-05 in 200844 control chromosomes (gnomAD). The available data on variant occurrences in the general population are insufficient to allow any conclusion about variant significance. c.343G>C has been reported in the literature in homozygous individuals affected with Primary Congenital Glaucoma (example: Reddy_2004 and Sheikh_2014), however in one these families the variant was also observed in five homozygous clinically normal individuals (Sheikh_2014). Since the penetrance of Primary Congenital Glaucoma (0.44) due to this variant appears to be lower than expected (0.8), no conclusions can be drawn from these data. To our knowledge, no experimental evidence demonstrating an impact on protein function has been reported. No clinical diagnostic laboratories have submitted clinical-significance assessments for this variant to ClinVar after 2014. Based on the evidence outlined above, the variant was classified as uncertain significance.

Literature cited by the submitters: PubMed 28620713; PubMed 15475877; PubMed 25018621.

NM_000104.4(CYP1B1):c.343G>C (p.Ala115Pro)

Gene: CYP1B1 (cytochrome P450 family 1 subfamily B member 1; minus strand). Cytogenetic location: 2p22.2.
Variant type: single nucleotide variant.
Coding change: c.343G>C on transcript NM_000104.4 (MANE Select); coding-DNA position 343, G replaced by C.
Protein change: p.Ala115Pro; replaces alanine 115 with proline.
Molecular consequence: missense variant.
Genome position (GRCh38, 1-based): chr2:38,075,046, C>G on the plus strand (G>C on the coding strand, the complement: CYP1B1 is on the minus strand). VCF-style: chr2-38075046-C-G. GRCh37 (hg19) VCF-style: chr2-38302189-C-G.
Other names: c.343G>C (NM_000104.3); short protein forms A115P.
Identifiers: ClinVar variation 2503881 (VCV002503881.1), dbSNP rs764338357, ClinGen allele CA1620052.